The following is an entry in ClinVar:

NM_206933.4(USH2A):c.920G>T (p.Ser307Ile)

Gene: USH2A (usherin; minus strand). Cytogenetic location: 1q41.
Variant type: single nucleotide variant.
Coding change: c.920G>T on transcript NM_206933.4 (MANE Select); coding-DNA position 920, G replaced by T.
Protein change: p.Ser307Ile; replaces serine 307 with isoleucine.
Molecular consequence: missense variant.
Genome position (GRCh38, 1-based): chr1:216,325,528, C>A on the plus strand (G>T on the coding strand, the complement: USH2A is on the minus strand). VCF-style: chr1-216325528-C-A. GRCh37 (hg19) VCF-style: chr1-216498870-C-A.
Other names: c.920G>T, p.Ser307Ile (NM_007123.6); short protein forms S307I.
Identifiers: ClinVar variation 557849 (VCV000557849.3), dbSNP rs1553250805, ClinGen allele CA344912629.

ClinVar aggregate classification (germline): Uncertain significance. Review status: criteria provided, single submitter (1 of 4 stars). 2 submissions from 2 submitters: Uncertain significance (1). 1 of the submissions does not count toward it. Last evaluated 2025-12-31.

Conditions:
Retinitis pigmentosa 39 (RP39). Identifiers: Orphanet 791, MedGen C3151138, MONDO:0013436, OMIM 613809.
Usher syndrome type 2A. Also called: RETINAL DISEASE IN USHER SYNDROME TYPE IIA, MODIFIER OF; USHER SYNDROME, TYPE IIA. Identifiers: Orphanet 231178, Orphanet 886, MedGen C1848634, MONDO:0010169, OMIM 276901.

Submissions (2):

Women's Health and Genetics/Laboratory Corporation of America, LabCorp
Classification: Uncertain significance. Last evaluated: 2025-12-31. Review status: criteria provided, single submitter. Criteria: LabCorp Variant Classification Summary - May 2015. Collection method: clinical testing. Allele origin: germline.
Comment: Variant summary: USH2A c.920G>T (p.Ser307Ile) results in a non-conservative amino acid change in the encoded protein sequence. Algorithms developed to predict the effect of missense changes on protein structure and function are either unavailable or do not agree on the potential impact of this missense change. The variant was absent in 250484 control chromosomes. The available data on variant occurrences in the general population are insufficient to allow any conclusion about variant significance. c.920G>T has been observed with another putatively pathogenic loss of function variant in an individual(s) affected with Usher Syndrome type II or autosomal recessive retinitis pigmentosa (Seyedahmadi_2004). Family members were not available for to perform segregation analyses to determine if this individual was a compound heterozygote or had the two changes in cis. As the phase of these variants is not specified, this report(s) does not provide unequivocal conclusions about association of the variant with Usher Syndrome. To our knowledge, no experimental evidence demonstrating an impact on protein function has been reported. The following publication has been ascertained in the context of this evaluation (PMID: 15325563). ClinVar contains an entry for this variant (Variation ID: 557849). Based on the evidence outlined above, the variant was classified as uncertain significance.

Counsyl
Classification: Uncertain significance for Usher syndrome type 2A; Retinitis pigmentosa 39. Last evaluated: 2018-04-09. Review status: no assertion criteria provided. Collection method: clinical testing. Allele origin: unknown. Not counted in ClinVar's aggregate classification.

Literature cited by the submitters: PubMed 15325563 (cited by Women's Health and Genetics/Laboratory Corporation of America, LabCorp and Counsyl).